The following is an entry in ClinVar:

NM_001384732.1(CPLANE1):c.1383_1384dup (p.Gly462fs)

Gene: CPLANE1 (ciliogenesis and planar polarity effector complex subunit 1; minus strand). Cytogenetic location: 5p13.2.
Variant type: Duplication.
Coding change: c.1383_1384dup on transcript NM_001384732.1 (MANE Select); coding-DNA positions 1383 to 1384, 2 bases duplicated (AG; older notation c.1383_1384dupAG).
Protein change: p.Gly462fs; shifts the reading frame from glycine 462.
Molecular consequence: frameshift variant.
Genome position (GRCh38, 1-based): chr5:37,227,380-37,227,381, CT duplicated on the plus strand (AG on the coding strand, the reverse complement: CPLANE1 is on the minus strand). VCF-style (leftmost placement, unchanged base first): chr5-37227379-C-CCT. GRCh37 (hg19) VCF-style: chr5-37227481-C-CCT.
Other names: c.1383_1384dup, p.Gly462fs (NM_023073.4); short protein forms G462fs.
Identifiers: ClinVar variation 984909 (VCV000984909.2), dbSNP rs1796678879, ClinGen allele CA1139658797.

ClinVar aggregate classification (germline): Pathogenic (1 of 4 stars; one submission).

Conditions:
Joubert syndrome 17 (JBTS17). Identifiers: Orphanet 475, MedGen C3553264, MONDO:0013824, OMIM 614615.

Submission:

Prenatal Diagnosis Center, The Sixth Medical Center of PLA General Hospital
Classification: Pathogenic for Joubert syndrome 17. Last evaluated: 2020-05-06. Review status: criteria provided, single submitter. Criteria: ACMG Guidelines, 2015. Collection method: clinical testing. Allele origin: paternal. Inheritance: Autosomal recessive inheritance. Affected: yes. Observed: 1 variant allele, 1 compound heterozygote.
Comment: In summary, the c.1384_1385insAG variant meets the criteria to be classified as pathogenic based upon segregation studies, absence from controls.